The following is an entry in ClinVar:

NM_000458.4(HNF1B):c.908G>A (p.Arg303His)

Gene: HNF1B (HNF1 homeobox B; minus strand). Cytogenetic location: 17q12.
Variant type: single nucleotide variant.
Coding change: c.908G>A on transcript NM_000458.4 (MANE Select); coding-DNA position 908, G replaced by A.
Protein change: p.Arg303His; replaces arginine 303 with histidine.
Molecular consequence: missense variant.
Genome position (GRCh38, 1-based): chr17:37,731,732, C>T on the plus strand (G>A on the coding strand, the complement: HNF1B is on the minus strand). VCF-style: chr17-37731732-C-T. GRCh37 (hg19) VCF-style: chr17-36091723-C-T.
Other names: c.830G>A, p.Arg277His (NM_001165923.4, NM_001304286.2); short protein forms R277H, R303H.
Identifiers: ClinVar variation 976053 (VCV000976053.4), dbSNP rs2033692404, ClinGen allele CA398746770.
Genomic context (GRCh38, chr17:37,731,732, plus strand): 5'-GTCTGGTTGGAGCTATAGGCGTCCATGGCCAGCTTTTGCCGGAATGCCTCCTCCTTCCTG[C>T]GGTTTGCAAACCAGTTGTAGACACGGACCTCAGTGACCAAGTTGGAGCCCAGGCCGTGGG-3'
Protein context (NP_000449.1, residues 293-313): EVRVYNWFAN[Arg303His]RKEEAFRQKL

ClinVar aggregate classification (germline): Conflicting classifications of pathogenicity. Review status: criteria provided, conflicting classifications (1 of 4 stars). 4 submissions from 4 submitters: Pathogenic (1); Likely pathogenic (1); Likely risk allele (1); Uncertain significance (1). Last evaluated 2025-07-22.

Conditions:
Renal cysts and diabetes syndrome (RCAD). Also called: MATURITY-ONSET DIABETES OF THE YOUNG, TYPE 5; Familial hypoplastic, glomerulocystic kidney. Identifiers: Orphanet 93111, MedGen C0431693, MONDO:0007669, OMIM 137920.
Type 2 diabetes mellitus. Also called: Type II diabetes mellitus. Identifiers: MedGen C0011860, MeSH D003924, MONDO:0005148, OMIM 125853, HP:0005978.
Nonpapillary renal cell carcinoma. Identifiers: Orphanet 422526, MedGen CN074294, MONDO:0007763, OMIM 144700.
Maturity-onset diabetes of the young (MODY). Also called: Maturity onset diabetes mellitus in young. Identifiers: Orphanet 552, MedGen C0342276, MONDO:0018911, HP:0004904.

Allele frequency attached by ClinVar (database versions not stated): 1000 Genomes Project 30x 0.00016.

Submissions (4):

MVZ Medizinische Genetik Mainz
Classification: Pathogenic for Renal cysts and diabetes syndrome. Last evaluated: 2025-07-22. Review status: criteria provided, single submitter. Criteria: UK Practice Guidelines For Variant Classification V4 01 2020. Collection method: clinical testing. Allele origin: germline. Inheritance: Autosomal dominant inheritance. Affected: yes. Observed: 1 variant allele.
Comment: ACMG Criteria: PP3_STR,PS4_MOD,PP1_MOD,PM2_SUP,PP2

Fulgent Genetics
Classification: Likely pathogenic for Type 2 diabetes mellitus; Renal cysts and diabetes syndrome; Nonpapillary renal cell carcinoma. Last evaluated: 2024-06-06. Review status: criteria provided, single submitter. Criteria: ACMG Guidelines, 2015. Collection method: clinical testing. Allele origin: germline.

Institute of Human Genetics, University of Leipzig Medical Center
Classification: Uncertain significance for Renal cysts and diabetes syndrome. Last evaluated: 2018-10-09. Review status: criteria provided, single submitter. Criteria: ACMG Guidelines, 2015. Collection method: clinical testing. Allele origin: germline. Affected: yes. Observed: 1 variant allele.

Clinical Genomics, Uppaluri K&H Personalized Medicine Clinic
Classification: Likely risk allele for Maturity-onset diabetes of the young. Review status: criteria provided, single submitter. Criteria: K & H Uppaluri Personalized Medicine Clinic Variant Classification & Assertion Criteria_Updated V.1. Collection method: research. Allele origin: unknown. Inheritance: Autosomal dominant inheritance.
Comment: HNF1B gene mutations are associated with early onset diabetes and pancreatic atrophy. It is also associated with multiple renal manifestations including renal cysts, Tubulointerstitial disease, glomerulocystic disease, renal hypoplasia, hypomagnesemia. However no sufficient evidence is found to ascertain the role of this particular variant rs2033692404, yet.

Literature cited by the submitters: PubMed 24897035 (cited by Clinical Genomics, Uppaluri K&H Personalized Medicine Clinic); PubMed 25536396 (cited by Clinical Genomics, Uppaluri K&H Personalized Medicine Clinic); PubMed 27615128 (cited by Clinical Genomics, Uppaluri K&H Personalized Medicine Clinic); PubMed 28215227 (cited by Clinical Genomics, Uppaluri K&H Personalized Medicine Clinic); PubMed 33434175 (cited by Clinical Genomics, Uppaluri K&H Personalized Medicine Clinic); PubMed 25741167 (cited by Clinical Genomics, Uppaluri K&H Personalized Medicine Clinic); PubMed 26340261 (cited by Clinical Genomics, Uppaluri K&H Personalized Medicine Clinic); PubMed 19639018 (cited by Clinical Genomics, Uppaluri K&H Personalized Medicine Clinic).